The following is an entry in ClinVar:

ClinVar aggregate classification (germline): Uncertain significance (1 of 4 stars; one submission).

Submission:

CeGaT Center for Human Genetics Tuebingen
Classification: Uncertain significance. Last evaluated: 2024-11-01. Review status: criteria provided, single submitter. Criteria: CeGaT Center For Human Genetics Tuebingen Variant Classification Criteria Version 2. Collection method: clinical testing. Allele origin: germline. Affected: yes. Observed: 1 variant allele.
Comment: OFD1: PM2, BP4

NM_003611.3(OFD1):c.1276A>G (p.Met426Val)

Gene: OFD1 (OFD1 centriole and centriolar satellite protein; plus strand). Cytogenetic location: Xp22.2.
Variant type: single nucleotide variant.
Coding change: c.1276A>G on transcript NM_003611.3 (MANE Select); coding-DNA position 1276, A replaced by G.
Protein change: p.Met426Val; replaces methionine 426 with valine.
Molecular consequence: missense variant.
Genome position (GRCh38, 1-based): chrX:13,756,632, A>G. VCF-style: chrX-13756632-A-G. GRCh37 (hg19) VCF-style: chrX-13774751-A-G.
Other names: c.1156A>G, p.Met386Val (NM_001330209.2); c.856A>G, p.Met286Val (NM_001330210.2); short protein forms M286V, M386V, M426V.
Identifiers: ClinVar variation 3389132 (VCV003389132.14).